The following is an entry in ClinVar:

ClinVar aggregate classification (germline): Uncertain significance (1 of 4 stars; one submission).

Conditions:
Atypical hemolytic-uremic syndrome. Identifiers: Orphanet 2134, MedGen C2931788, MONDO:0016244.
Age related macular degeneration 4. Identifiers: MedGen C1853147, MONDO:0012540, OMIM 610698.
Basal laminar drusen. Also called: DRUSEN OF BRUCH MEMBRANE; DRUSEN, CUTICULAR; DRUSEN, EARLY ADULT-ONSET, GROUPED. Identifiers: Orphanet 75376, MedGen C0730295, MONDO:0007472, OMIM 126700.
Factor H deficiency (CFHD). Also called: COMPLEMENT FACTOR H DEFICIENCY; CFH DEFICIENCY. Identifiers: Orphanet 200421, MedGen C0398777, MONDO:0012350, OMIM 609814.

Submission:

Genomenon, Inc
Classification: Uncertain significance for Age related macular degeneration 4; Atypical hemolytic-uremic syndrome; Factor H deficiency; Basal laminar drusen. Last evaluated: 2026-09-17. Review status: criteria provided, single submitter. Criteria: Genomenon Sequence Variant Interpretation Standards - Updated. Collection method: curation. Allele origin: germline. Affected: no.
Comment: CFH p.Arg1210Ser (c.3628C>A) is a missense variant that changes the amino acid at codon 1210 from arginine to serine. This variant has been reported in the published literature (PMID: 12471127; 16533809; 19680263; 15634279; 16281287; 16338962; 19505474; 16601698; 18081691; 14564205; 21215749; 19454698; 21531728; 20855886; 29218045; 16192651). It is absent or not present at a significant frequency in gnomAD. In silico models predict that this variant is not damaging. In conclusion, we classify CFH p.Arg1210Ser (c.3628C>A) as a variant of uncertain significance.

Literature cited by the submitters: PubMed 12471127; PubMed 16533809; PubMed 19680263; PubMed 15634279; PubMed 16281287; PubMed 16338962; PubMed 19505474; PubMed 16601698; PubMed 18081691; PubMed 14564205; PubMed 21215749; PubMed 19454698; PubMed 21531728; PubMed 20855886; PubMed 29218045; PubMed 16192651.

NM_000186.4(CFH):c.3628C>A (p.Arg1210Ser)

Gene: CFH (complement factor H; plus strand). Cytogenetic location: 1q31.3.
Variant type: single nucleotide variant.
Coding change: c.3628C>A on transcript NM_000186.4 (MANE Select); coding-DNA position 3628, C replaced by A.
Protein change: p.Arg1210Ser; replaces arginine 1210 with serine.
Molecular consequence: missense variant.
Genome position (GRCh38, 1-based): chr1:196,747,245, C>A. VCF-style: chr1-196747245-C-A. GRCh37 (hg19) VCF-style: chr1-196716375-C-A.
Other names: short protein forms R1210S.
Identifiers: ClinVar variation 4291634 (VCV004291634.2).
Genomic context (GRCh38, chr1:196,747,245, plus strand): 5'-TATTCGAGAACAGGTGAATCAGTTGAATTTGTGTGTAAACGGGGATATCGTCTTTCATCA[C>A]GTTCTCACACATTGCGAACAACATGTTGGGATGGGAAACTGGAGTATCCAACTTGTGCAA-3'
Protein context (NP_000177.2, residues 1200-1220): VCKRGYRLSS[Arg1210Ser]SHTLRTTCWD